The following is an entry in ClinVar:

NM_020366.4(RPGRIP1):c.3308_3309delinsAAATA (p.Val1103delinsGluIle)

Gene: RPGRIP1 (RPGR interacting protein 1; plus strand). Cytogenetic location: 14q11.2.
Variant type: Indel.
Coding change: c.3308_3309delinsAAATA on transcript NM_020366.4 (MANE Select); coding-DNA positions 3308 to 3309, TG replaced by AAATA.
Protein change: p.Val1103delinsGluIle.
Molecular consequence: inframe indel.
Genome position (GRCh38, 1-based): chr14:21,334,674-21,334,675, TG replaced by AAATA. VCF-style: chr14-21334674-TG-AAATA. GRCh37 (hg19) VCF-style: chr14-21802833-TG-AAATA.
Other names: c.1286_1287delinsAAATA, p.Val429delinsGluIle (NM_001377523.1, NM_001377950.1); c.2234_2235delinsAAATA, p.Val745delinsGluIle (NM_001377948.1); c.1394_1395delinsAAATA, p.Val465delinsGluIle (NM_001377949.1); c.791_792delinsAAATA, p.Val264delinsGluIle (NM_001377951.1).
Identifiers: ClinVar variation 3902155 (VCV003902155.1).

ClinVar aggregate classification (germline): Uncertain significance (1 of 4 stars; one submission).

Submission:

Women's Health and Genetics/Laboratory Corporation of America, LabCorp
Classification: Uncertain significance. Last evaluated: 2025-05-19. Review status: criteria provided, single submitter. Criteria: LabCorp Variant Classification Summary - May 2015. Collection method: clinical testing. Allele origin: germline.
Comment: Variant summary: RPGRIP1 c.3308_3309delinsAAATA (p.Val1103delinsGluIle) results in an in-frame deletion-insertion that is predicted to delete one-, and insert two amino acids. The variant was absent in gnomAD, however two neighboring insertion and deletion variants were found with about the same allele frequencies, i.e. with a frequency of 3.4e-05 in 1600628 control chromosomes; predominantly at a frequency of 0.00057 within the South Asian subpopulation. This frequency is not significantly higher than estimated for a pathogenic variant in RPGRIP1 causing Leber Congenital Amaurosis (0.0011), allowing no conclusion about variant significance. To our knowledge, no occurrence of c.3308_3309delinsAAATA in individuals affected with Leber Congenital Amaurosis and no experimental evidence demonstrating its impact on protein function have been reported. No submitters have cited clinical-significance assessments for this variant to ClinVar. Based on the evidence outlined above, the variant was classified as uncertain significance.